The following is an entry in ClinVar:

NM_001127511.3(APC):c.166-29084A>C

Gene: APC (APC regulator of Wnt signaling pathway; plus strand). Cytogenetic location: 5q22.2.
Variant type: single nucleotide variant.
Coding change: c.166-29084A>C on transcript NM_001127511.3; 29084 bases into the intron before coding-DNA position 166, A replaced by C.
Molecular consequence: intron variant.
Genome position (GRCh38, 1-based): chr5:112,737,242, A>C. VCF-style: chr5-112737242-A-C. GRCh37 (hg19) VCF-style: chr5-112072939-A-C.
Other names: c.-1053-17631A>C (NM_001407470.1, NM_001407472.1); c.-18-17631A>C (NM_001407447.1, NM_001354895.2, NM_001407456.1 and 7 more transcripts); c.166-29084A>C (NM_001407446.1, NM_001354897.2, NM_001354902.2); c.-42-29084A>C (NM_001407453.1).
Identifiers: ClinVar variation 4971638 (VCV004971638.2).

ClinVar aggregate classification (germline): Likely benign. Review status: criteria provided, multiple submitters, no conflicts (2 of 4 stars). 2 submissions from 2 submitters: Likely benign (2). Last evaluated 2026-04-29.

Conditions:
APC-related disorder. Also called: APC-related condition.

gnomAD v4.1: 21 of 152,316 alleles (0.014%); highest among the groups gnomAD compares: Admixed American, 0.033%; no homozygotes.

Submissions (2):

PreventionGenetics, part of Exact Sciences
Classification: Likely benign for APC-related condition. Last evaluated: 2026-04-29. Review status: criteria provided, single submitter. Criteria: ACMG Guidelines, 2015. Collection method: clinical testing. Allele origin: germline.
Comment: This variant is classified as likely benign based on ACMG/AMP sequence variant interpretation guidelines (Richards et al. 2015 PMID: 25741868, with internal and published modifications).

Blueprint Genetics
Classification: Likely benign. Last evaluated: 2024-11-21. Review status: criteria provided, single submitter. Criteria: ACMG Guidelines, 2015. Collection method: clinical testing. Allele origin: germline.